The following is an entry in ClinVar:

ClinVar aggregate classification (germline): Uncertain significance. Review status: criteria provided, multiple submitters, no conflicts (2 of 4 stars). 3 submissions from 3 submitters: Uncertain significance (3). Last evaluated 2026-08-31.

Conditions:
Dilated cardiomyopathy 1CC (CMD1CC). Identifiers: Orphanet 154, MedGen C2751084, MONDO:0013147, OMIM 613122.
Hypertrophic cardiomyopathy 20. Identifiers: MedGen C3151267, MONDO:0013477, OMIM 613876.
NEXN-related disorder. Also called: NEXN-related condition; NEXN-related disorders.

gnomAD v4.1: 4 of 1,613,870 alleles (0.00025%); highest among the groups gnomAD compares: South Asian, 0.0022%; no homozygotes.

Submissions (3):

PreventionGenetics, part of Exact Sciences
Classification: Uncertain significance for NEXN-related condition. Last evaluated: 2026-08-31. Review status: criteria provided, single submitter. Criteria: ACMG Guidelines, 2015. Collection method: clinical testing. Allele origin: germline.
Comment: The NEXN c.1412G>A variant is predicted to result in the amino acid substitution p.Arg471Gln. To our knowledge, this variant has not been reported in the literature. This variant is reported in 0.00089% of alleles in individuals of European (Non-Finnish) descent in gnomAD. At this time, the clinical significance of this variant is uncertain due to the absence of conclusive functional and genetic evidence.

Clinical Genomics Laboratory, Stanford Medicine
Classification: Uncertain significance for Dilated cardiomyopathy 1CC; Hypertrophic cardiomyopathy 20. Last evaluated: 2023-04-07. Review status: criteria provided, single submitter. Criteria: ACMG Guidelines, 2015. Collection method: clinical testing. Allele origin: germline. Observed: 1 variant allele, 1 heterozygote.
Comment: The p.Arg471Gln variant in the NEXN gene has not been previously reported in association with disease. This variant has been identified in 1/112,842 European non-Finnish chromosomes (1/248,998 chromosomes overall) by the Genome Aggregation Database. This variant is present in ClinVar (VCV001506412.3). The arginine at position 471 is evolutionarily conserved. Computational tools predict that the p.Arg471Gln variant is deleterious; however, the accuracy of in silico algorithms is limited. These data were assessed using the ACMG/AMP variant interpretation guidelines. In summary, the significance of the p.Arg471Gln variant is uncertain. Additional information is needed to resolve the significance of this variant. [ACMG evidence codes used: PM2; PP3]

Labcorp Genetics (formerly Invitae), Labcorp
Classification: Uncertain significance for Dilated cardiomyopathy 1CC; Hypertrophic cardiomyopathy 20. Last evaluated: 2022-10-13. Review status: criteria provided, single submitter. Criteria: Invitae Variant Classification Sherloc (09022015). Collection method: clinical testing. Allele origin: germline.
Comment: This sequence change replaces arginine, which is basic and polar, with glutamine, which is neutral and polar, at codon 471 of the NEXN protein (p.Arg471Gln). This variant is present in population databases (rs746761862, gnomAD 0.0009%). This variant has not been reported in the literature in individuals affected with NEXN-related conditions. ClinVar contains an entry for this variant (Variation ID: 1506412). Advanced modeling of protein sequence and biophysical properties (such as structural, functional, and spatial information, amino acid conservation, physicochemical variation, residue mobility, and thermodynamic stability) has been performed at Invitae for this missense variant, however the output from this modeling did not meet the statistical confidence thresholds required to predict the impact of this variant on NEXN protein function. In summary, the available evidence is currently insufficient to determine the role of this variant in disease. Therefore, it has been classified as a Variant of Uncertain Significance.

NM_144573.4(NEXN):c.1412G>A (p.Arg471Gln)

Gene: NEXN (nexilin F-actin binding protein; plus strand). Cytogenetic location: 1p31.1.
Variant type: single nucleotide variant.
Coding change: c.1412G>A on transcript NM_144573.4 (MANE Select); coding-DNA position 1412, G replaced by A.
Protein change: p.Arg471Gln; replaces arginine 471 with glutamine.
Molecular consequence: missense variant.
Genome position (GRCh38, 1-based): chr1:77,935,983, G>A. VCF-style: chr1-77935983-G-A. GRCh37 (hg19) VCF-style: chr1-78401668-G-A.
Other names: c.1220G>A, p.Arg407Gln (NM_001172309.2); c.1412G>A (NM_144573.3); short protein forms R471Q, R407Q.
Identifiers: ClinVar variation 1506412 (VCV001506412.5), dbSNP rs746761862, ClinGen allele CA918871.
Genomic context (GRCh38, chr1:77,935,983, plus strand): 5'-AGTTTGAAAAAATTGGACAGTTGTCTGAAAAAGAAATACAGAAAAAAATAGAAGAAGAGC[G>A]AGCAAGAAGGAGAGCAATTGACCTTGAAATTAAAGAGCGAGAAGCTGAAAATTTTCATGA-3'
Protein context (NP_653174.3, residues 461-481): KEIQKKIEEE[Arg471Gln]ARRRAIDLEI